The following is an entry in ClinVar:

NM_004385.5(VCAN):c.5614C>T (p.Pro1872Ser)

Genes: VCAN (versican; plus strand), VCAN-AS1 (VCAN antisense RNA 1; minus strand). Cytogenetic location: 5q14.3.
Variant type: single nucleotide variant.
Coding change: c.5614C>T on transcript NM_004385.5 (MANE Select); coding-DNA position 5614, C replaced by T.
Protein change: p.Pro1872Ser; replaces proline 1872 with serine.
Molecular consequence: missense variant. On other transcripts: intron variant (2).
Genome position (GRCh38, 1-based): chr5:83,538,617, C>T. VCF-style: chr5-83538617-C-T. GRCh37 (hg19) VCF-style: chr5-82834436-C-T.
Other names: c.2653C>T, p.Pro885Ser (NM_001164097.2); c.4004-6920C>T (NM_001164098.2); c.1043-6920C>T (NM_001126336.3); short protein forms P1872S, P885S.
Identifiers: ClinVar variation 1911991 (VCV001911991.5), dbSNP rs774404323, ClinGen allele CA3333356.
Genomic context (GRCh38, chr5:83,538,617, plus strand): 5'-TTTTCATTAAACGTAGAGTATGCAATTCAAGCCGAAAAGGAAGTAGCTGGCACTTTGTCT[C>T]CGCATGTGGAAACTACATTCTCCACTGAGCCAACAGGACTGGTTTTGAGTACAGTAATGG-3'
Protein context (NP_004376.2, residues 1862-1882): AEKEVAGTLS[Pro1872Ser]HVETTFSTEP

ClinVar aggregate classification (germline): Uncertain significance (1 of 4 stars; one submission).

Allele frequency attached by ClinVar (database versions not stated): gnomAD exomes 0.00001; TOPMed 0.00001; ExAC 0.00002.
gnomAD v4.1: 3 of 1,614,032 alleles (0.00019%); highest among the groups gnomAD compares: Admixed American, 0.0033%; no homozygotes.

Submission:

Labcorp Genetics (formerly Invitae), Labcorp
Classification: Uncertain significance. Last evaluated: 2022-03-09. Review status: criteria provided, single submitter. Criteria: Invitae Variant Classification Sherloc (09022015). Collection method: clinical testing. Allele origin: germline.
Comment: In summary, the available evidence is currently insufficient to determine the role of this variant in disease. Therefore, it has been classified as a Variant of Uncertain Significance. Algorithms developed to predict the effect of missense changes on protein structure and function output the following: SIFT: "Tolerated"; PolyPhen-2: "Benign"; Align-GVGD: "Class C15". The serine amino acid residue is found in multiple mammalian species, which suggests that this missense change does not adversely affect protein function. This missense change has been observed in individual(s) with clinical features of VCAN-related conditions (Invitae). This variant is present in population databases (rs774404323, gnomAD 0.0009%). This sequence change replaces proline, which is neutral and non-polar, with serine, which is neutral and polar, at codon 1872 of the VCAN protein (p.Pro1872Ser).